The following is an entry in ClinVar:

NM_004817.4(TJP2):c.2987C>T (p.Pro996Leu)

Gene: TJP2 (tight junction protein 2; plus strand). Cytogenetic location: 9q21.11.
Variant type: single nucleotide variant.
Coding change: c.2987C>T on transcript NM_004817.4 (MANE Select); coding-DNA position 2987, C replaced by T.
Protein change: p.Pro996Leu; replaces proline 996 with leucine.
Molecular consequence: missense variant. On other transcripts: intron variant (6).
Genome position (GRCh38, 1-based): chr9:69,249,481, C>T. VCF-style: chr9-69249481-C-T. GRCh37 (hg19) VCF-style: chr9-71864397-C-T.
Other names: c.3080C>T, p.Pro1027Leu (NM_001170416.2); c.2912C>T, p.Pro971Leu (NM_001369870.1); c.2918C>T, p.Pro973Leu (NM_001369871.1); c.2999C>T, p.Pro1000Leu (NM_001369875.1); c.2811+1257C>T (NM_001170414.2); c.2880+1257C>T (NM_201629.3, NM_001369872.1); c.2668-1554C>T (NM_001369873.1); c.2892+1257C>T (NM_001170415.1, NM_001369874.1); short protein forms P996L, P971L, P1000L, P1027L, P973L.
Identifiers: ClinVar variation 179110 (VCV000179110.7), dbSNP rs727504634, ClinGen allele CA183753.

ClinVar aggregate classification (germline): Uncertain significance. Review status: criteria provided, multiple submitters, no conflicts (2 of 4 stars). 2 submissions from 2 submitters: Uncertain significance (2). Last evaluated 2019-04-17.

Allele frequency attached by ClinVar (database versions not stated): gnomAD exomes below 0.00001 and 0.00001; gnomAD 0.00001; ExAC 0.00002.
gnomAD v4.1: 5 of 1,603,406 alleles (0.00031%); highest among the groups gnomAD compares: East Asian, 0.009%; no homozygotes.

Submissions (2):

GeneDx
Classification: Uncertain significance. Last evaluated: 2019-04-17. Review status: criteria provided, single submitter. Criteria: GeneDx Variant Classification Process June 2021. Collection method: clinical testing. Allele origin: germline. Affected: yes.
Comment: In silico analysis, which includes protein predictors and evolutionary conservation, supports a deleterious effect; Has not been previously published as pathogenic or benign to our knowledge

Laboratory for Molecular Medicine, Mass General Brigham Personalized Medicine
Classification: Uncertain significance. Last evaluated: 2013-08-10. Review status: criteria provided, single submitter. Criteria: LMM Criteria. Collection method: clinical testing. Allele origin: germline. Observed: 1 variant allele.
Comment: The Pro996Leu variant in TJP2 has not been reported in individuals with hearing loss or in large population studies. Computational analyses (biochemical amino a cid properties, conservation, AlignGVGD, PolyPhen2, and SIFT) do not provide str ong support for or against an impact to the protein. In summary, additional data is needed to determine the clinical significance of this variant.